The following is an entry in ClinVar:

NM_000207.3(INS):c.-18+62C>T

Genes: INS-IGF2 (INS-IGF2 readthrough; minus strand), INS (insulin; minus strand). Cytogenetic location: 11p15.5.
Variant type: single nucleotide variant.
Coding change: c.-18+62C>T on transcript NM_000207.3 (MANE Select); 62 bases into the intron after 18 bases upstream of the start codon, C replaced by T.
Molecular consequence: intron variant. On other transcripts: 5 prime UTR variant (1), splice donor variant (1).
Genome position (GRCh38, 1-based): chr11:2,161,106, G>A on the plus strand (C>T on the coding strand, the complement: INS is on the minus strand). VCF-style: chr11-2161106-G-A. GRCh37 (hg19) VCF-style: chr11-2182336-G-A.
Other names: c.-135C>T (NM_001185098.2); c.-18+62C>T (NM_001042376.3); c.-18+36C>T (NM_001185097.2); c.-18+2C>T (NM_001291897.2).
Identifiers: ClinVar variation 435504 (VCV000435504.7), dbSNP rs1166335966, ClinGen allele CA645372508.

ClinVar aggregate classification (germline): Uncertain significance. Review status: criteria provided, multiple submitters, no conflicts (2 of 4 stars). 2 submissions from 2 submitters: Uncertain significance (2). Last evaluated 2016-11-16.

Conditions:
Neonatal insulin-dependent diabetes mellitus. Identifiers: MedGen C3278636, HP:0000857.

Allele frequency attached by ClinVar (database versions not stated): TOPMed below 0.00001.
gnomAD v4.1: 4 of 1,302,472 alleles (0.00031%); highest among the groups gnomAD compares: Non-Finnish European, 0.00042%; no homozygotes.

Submissions (2):

Genetic Services Laboratory, University of Chicago
Classification: Uncertain significance. Last evaluated: 2016-11-16. Review status: criteria provided, single submitter. Criteria: ACMG Guidelines, 2015. Collection method: clinical testing. Allele origin: germline. Affected: no.

Clinical Genomics, Uppaluri K&H Personalized Medicine Clinic
Classification: Uncertain significance for Neonatal insulin-dependent diabetes mellitus. Review status: criteria provided, single submitter. Criteria: K & H Uppaluri Personalized Medicine Clinic Variant Classification & Assertion Criteria_Updated V.1. Collection method: research. Allele origin: unknown.
Comment: Mutations in INS gene can cause early onset diabetes mellitus which is insulin dependent. May have poor response to sulfonylureas, as this mutation can cause beta cell destruction. However no sufficient evidence is found to ascertain the role of this particular variant rs1166335966, yet.

Literature cited by the submitters: PubMed 11921414 (cited by Clinical Genomics, Uppaluri K&H Personalized Medicine Clinic); PubMed 25542748 (cited by Clinical Genomics, Uppaluri K&H Personalized Medicine Clinic); PubMed 26101329 (cited by Clinical Genomics, Uppaluri K&H Personalized Medicine Clinic); PubMed 18171712 (cited by Clinical Genomics, Uppaluri K&H Personalized Medicine Clinic).